The following is an entry in ClinVar:

ClinVar aggregate classification (germline): Uncertain significance. Review status: criteria provided, multiple submitters, no conflicts (2 of 4 stars). 2 submissions from 2 submitters: Uncertain significance (2). Last evaluated 2019-05-03.

Conditions:
Hereditary spastic paraplegia. Also called: Familial spastic paraparesis. Identifiers: Orphanet 685, MedGen C0037773, MONDO:0019064. Disease mechanism: loss of function.
Hereditary spastic paraplegia 75. Also called: Spastic paraplegia 75, autosomal recessive. Identifiers: Orphanet 459056, MedGen C4225250, MONDO:0014729, OMIM 616680.

Allele frequency attached by ClinVar (database versions not stated): gnomAD 0.00001; gnomAD exomes 0.00001; TOPMed 0.00001; ExAC 0.00002.
gnomAD v4.1: 20 of 1,613,066 alleles (0.0012%); highest among the groups gnomAD compares: South Asian, 0.0033%; no homozygotes.

Submissions (2):

Labcorp Genetics (formerly Invitae), Labcorp
Classification: Uncertain significance for Hereditary spastic paraplegia 75. Last evaluated: 2019-05-03. Review status: criteria provided, single submitter. Criteria: Invitae Variant Classification Sherloc (09022015). Collection method: clinical testing. Allele origin: germline.
Comment: In summary, the available evidence is currently insufficient to determine the role of this variant in disease. Therefore, it has been classified as a Variant of Uncertain Significance. Algorithms developed to predict the effect of missense changes on protein structure and function do not agree on the potential impact of this missense change (SIFT: "Deleterious"; PolyPhen-2: "Benign"; Align-GVGD: "Class C0"). This variant has been observed in the heterozygous state in an individual affected with hereditary spastic paraplegia (HSP) (PMID:¬†28832565). ClinVar contains an entry for this variant (Variation ID:¬†424680). The frequency data for this variant in the population databases is considered unreliable, as metrics indicate poor data quality at this position in the ExAC database. This sequence change replaces serine with leucine at codon 549 of the MAG protein (p.Ser549Leu). The serine residue is moderately conserved and there is a large physicochemical difference between serine and leucine.

Unit for Genetic & Epidemiological Research on Neurological Disorders, Instituto de Investigação e Inovação em Saúde
Classification: Uncertain significance for Hereditary spastic paraplegia. Last evaluated: 2017-03-07. Review status: criteria provided, single submitter. Criteria: Morais et al. (Eur J Hum Genet. 2017). Collection method: research. Allele origin: unknown. Affected: yes.

NM_002361.4(MAG):c.1646C>T (p.Ser549Leu)

Gene: MAG (myelin associated glycoprotein; plus strand). Cytogenetic location: 19q13.12.
Variant type: single nucleotide variant.
Coding change: c.1646C>T on transcript NM_002361.4 (MANE Select); coding-DNA position 1646, C replaced by T.
Protein change: p.Ser549Leu; replaces serine 549 with leucine.
Molecular consequence: missense variant.
Genome position (GRCh38, 1-based): chr19:35,311,947, C>T. VCF-style: chr19-35311947-C-T. GRCh37 (hg19) VCF-style: chr19-35802850-C-T.
Other names: c.1571C>T, p.Ser524Leu (NM_001199216.2); c.1646C>T, p.Ser549Leu (NM_080600.3); short protein forms S549L, S524L.
Identifiers: ClinVar variation 424680 (VCV000424680.6), dbSNP rs767886169, ClinGen allele CA9376347.